The following is an entry in ClinVar:

NC_000013.11:g.32315397C>T

Genes: BRCA2 (BRCA2 DNA repair associated; plus strand), LOC106721785 (BRCA2 promoter/silencer region; plus strand). Cytogenetic location: 13q13.1.
Variant type: single nucleotide variant.
Genome position: GRCh38 VCF-style: chr13-32315397-C-T. GRCh37 (hg19) VCF-style: chr13-32889534-C-T.
Identifiers: ClinVar variation 2139291 (VCV002139291.4), dbSNP rs570548398, ClinGen allele CA247477973.

ClinVar aggregate classification (germline): Uncertain significance (1 of 4 stars; one submission).

Conditions:
Hereditary breast ovarian cancer syndrome. Also called: Hereditary breast and ovarian cancer; Hereditary breast and/or ovarian cancer syndrome; Breast and ovarian cancer; Hereditary breast and ovarian cancer syndrome; Hereditary breast and ovarian cancer syndrome (HBOC); BRCA1- and BRCA2-Associated Hereditary Breast and Ovarian Cancer. Identifiers: Orphanet 145, MedGen C0677776, MeSH D061325, MONDO:0003582. Disease mechanism: loss of function.

Allele frequency attached by ClinVar (database versions not stated): TOPMed 0.00001; gnomAD 0.00003; 1000 Genomes Project 30x 0.00016; 1000 Genomes Project 0.00020.
gnomAD v4.1: 4 of 152,414 alleles (0.0026%); highest among the groups gnomAD compares: African/African-American, 0.0096%; no homozygotes.

Submission:

Labcorp Genetics (formerly Invitae), Labcorp
Classification: Uncertain significance for Hereditary breast ovarian cancer syndrome. Last evaluated: 2022-06-04. Review status: criteria provided, single submitter. Criteria: Invitae Variant Classification Sherloc (09022015). Collection method: clinical testing. Allele origin: germline.
Comment: In summary, the available evidence is currently insufficient to determine the role of this variant in disease. Therefore, it has been classified as a Variant of Uncertain Significance. Experimental studies are conflicting or provide insufficient evidence to determine the effect of this variant on BRCA2 function (PMID: 29766361). Algorithms developed to predict the effect of variants on protein structure and function are not available or were not evaluated for this variant. This variant has been observed in individual(s) with breast cancer (PMID: 29766361). This variant is present in population databases (rs570548398, gnomAD 0.01%). This variant occurs in a non-coding region of the BRCA2 gene. It does not change the encoded amino acid sequence of the BRCA2 protein.

Literature cited by the submitters: PubMed 29766361.